The following is an entry in ClinVar:

NM_000553.6(WRN):c.3329A>T (p.Tyr1110Phe)

Gene: WRN (WRN RecQ like helicase; plus strand). Cytogenetic location: 8p12.
Variant type: single nucleotide variant.
Coding change: c.3329A>T on transcript NM_000553.6 (MANE Select); coding-DNA position 3329, A replaced by T.
Protein change: p.Tyr1110Phe; replaces tyrosine 1110 with phenylalanine.
Molecular consequence: missense variant.
Genome position (GRCh38, 1-based): chr8:31,143,569, A>T. VCF-style: chr8-31143569-A-T. GRCh37 (hg19) VCF-style: chr8-31001085-A-T.
Other names: short protein forms Y1110F.
Identifiers: ClinVar variation 2073458 (VCV002073458.1), dbSNP rs2536035665, ClinGen allele CA370924037.

ClinVar aggregate classification (germline): Uncertain significance (1 of 4 stars; one submission).

Conditions:
Werner syndrome (WRN). Identifiers: Orphanet 902, MedGen C0043119, MONDO:0010196, OMIM 277700.

Allele frequency attached by ClinVar (database versions not stated): gnomAD exomes below 0.00001.
gnomAD v4.1: 1 of 1,593,506 alleles (0.000063%); highest among the groups gnomAD compares: Non-Finnish European, 0.000086%; no homozygotes.

Submission:

Labcorp Genetics (formerly Invitae), Labcorp
Classification: Uncertain significance for Werner syndrome. Last evaluated: 2022-09-20. Review status: criteria provided, single submitter. Criteria: Invitae Variant Classification Sherloc (09022015). Collection method: clinical testing. Allele origin: germline.
Comment: This sequence change replaces tyrosine, which is neutral and polar, with phenylalanine, which is neutral and non-polar, at codon 1110 of the WRN protein (p.Tyr1110Phe). This variant is not present in population databases (gnomAD no frequency). This variant has not been reported in the literature in individuals affected with WRN-related conditions. Algorithms developed to predict the effect of missense changes on protein structure and function are either unavailable or do not agree on the potential impact of this missense change (SIFT: "Not Available"; PolyPhen-2: "Benign"; Align-GVGD: "Not Available"). In summary, the available evidence is currently insufficient to determine the role of this variant in disease. Therefore, it has been classified as a Variant of Uncertain Significance.